The following is an entry in ClinVar:

NM_000553.6(WRN):c.487_488del (p.Asp163fs)

Gene: WRN (WRN RecQ like helicase; plus strand). Cytogenetic location: 8p12.
Variant type: Deletion.
Coding change: c.487_488del on transcript NM_000553.6 (MANE Select); coding-DNA positions 487 to 488, 2 bases deleted (GA; older notation c.487_488delGA).
Protein change: p.Asp163fs; shifts the reading frame from aspartic acid 163.
Molecular consequence: frameshift variant.
Genome position (GRCh38, 1-based): chr8:31,065,046-31,065,047, GA deleted; deleting any 2 consecutive bases within chr8:31,065,045-31,065,047 gives the same sequence; the c. name uses the placement nearest the transcript's 3' end. VCF-style (leftmost placement, unchanged base first): chr8-31065044-CAG-C. GRCh37 (hg19) VCF-style: chr8-30922560-CAG-C.
Other names: short protein forms D163fs.
Identifiers: ClinVar variation 208642 (VCV000208642.8), dbSNP rs797045118, ClinGen allele CA276035.
Genomic context (GRCh38, chr8:31,065,044, plus strand): 5'-GAGATCAGTGGAAACTTCTACGTGACTTTGATATCAAATTGAAGAATTTTGTGGAGTTGA[CAG>C]ATGTTGCCAATAAAAAGGTAAAAGCAATATATATATAATTTTCATGATGAAGATTATTTT-3'

ClinVar aggregate classification (germline): Pathogenic/Likely pathogenic. Review status: criteria provided, multiple submitters, no conflicts (2 of 4 stars). 2 submissions from 2 submitters: Pathogenic (1); Likely pathogenic (1). Last evaluated 2025-01-30.

Conditions:
Werner syndrome (WRN). Identifiers: Orphanet 902, MedGen C0043119, MONDO:0010196, OMIM 277700.

Submissions (2):

Labcorp Genetics (formerly Invitae), Labcorp
Classification: Pathogenic for Werner syndrome. Last evaluated: 2025-01-30. Review status: criteria provided, single submitter. Criteria: Invitae Variant Classification Sherloc (09022015). Collection method: clinical testing. Allele origin: germline.
Comment: This sequence change creates a premature translational stop signal (p.Asp163Cysfs*4) in the WRN gene. It is expected to result in an absent or disrupted protein product. Loss-of-function variants in WRN are known to be pathogenic (PMID: 16673358). This variant is not present in population databases (gnomAD no frequency). This premature translational stop signal has been observed in individual(s) with breast cancer (PMID: 26296701). ClinVar contains an entry for this variant (Variation ID: 208642). RNA analysis performed to evaluate the impact of this premature translational stop signal on mRNA splicing indicates it does not significantly alter splicing (internal data). For these reasons, this variant has been classified as Pathogenic.

Center for Individualized Medicine, Mayo Clinic
Classification: Likely pathogenic for Werner syndrome. Last evaluated: 2014-01-01. Review status: criteria provided, single submitter. Criteria: ACMG Guidelines, 2007. Collection method: research. Allele origin: germline. Affected: no. Study: Breast Cancer Genome Guided Therapy Study (BEAUTY).

Literature cited by the submitters: PubMed 16673358 (cited by Labcorp Genetics (formerly Invitae), Labcorp); PubMed 26296701 (cited by Labcorp Genetics (formerly Invitae), Labcorp and Center for Individualized Medicine, Mayo Clinic).